The following is an entry in ClinVar:

NM_001046.3(SLC12A2):c.2977G>T (p.Glu993Ter)

Gene: SLC12A2 (solute carrier family 12 member 2; plus strand). Cytogenetic location: 5q23.3.
Variant type: single nucleotide variant.
Coding change: c.2977G>T on transcript NM_001046.3 (MANE Select); coding-DNA position 2977, G replaced by T.
Protein change: p.Glu993Ter; replaces glutamic acid 993 with a stop codon.
Molecular consequence: nonsense. On other transcripts: non-coding transcript variant (1), intron variant (1).
Genome position (GRCh38, 1-based): chr5:128,177,152, G>T. VCF-style: chr5-128177152-G-T. GRCh37 (hg19) VCF-style: chr5-127512844-G-T.
Other names: c.2930-1415G>T (NM_001256461.2); short protein forms E993*.
Identifiers: ClinVar variation 4857406 (VCV004857406.1).

ClinVar aggregate classification (germline): Pathogenic (1 of 4 stars; one submission).

Conditions:
Hearing loss, autosomal dominant 78. Also called: DEAFNESS, AUTOSOMAL DOMINANT 78. Identifiers: MedGen C5436768, MONDO:0033665, OMIM 619081.

Submission:

Precision Medicine Center, Zhengzhou University
Classification: Pathogenic for Hearing loss, autosomal dominant 78. Last evaluated: 2006-06-30. Review status: criteria provided, single submitter. Criteria: ClinGen HL ACMG Specifications v1. Collection method: clinical testing. Allele origin: de novo. Affected: yes.
Comment: PVS1+PM2+PM6：The nonsense variant results in a premature termination codon, leading to truncated protein product and impaired gene function, which is predicted to be highly deleterious (PVS1). This variant exhibits an extremely low allele frequency with negligible population prevalence in the gnomAD population database , representing an ultra-rare variant in the general human population (PM2). In summary, this SLC12A2 c.2977G>T (p.Glu993Ter) variant meets the ACMG/AMP variant classification criteria and can be classified as pathogenic.